The following is an entry in ClinVar:

ClinVar aggregate classification (germline): Likely pathogenic (1 of 4 stars; one submission).

Conditions:
Renal-hepatic-pancreatic dysplasia 2 (RHPD2). Identifiers: MedGen C3809434, MONDO:0014174, OMIM 615415.
Nephronophthisis 9 (NPHP9). Identifiers: Orphanet 655, MedGen C3151188, MONDO:0013444, OMIM 613824.

Submission:

Juno Genomics, Hangzhou Juno Genomics, Inc
Classification: Likely pathogenic for Nephronophthisis 9; Renal-hepatic-pancreatic dysplasia 2. Review status: criteria provided, single submitter. Criteria: ACMG Guidelines, 2015. Collection method: clinical testing. Allele origin: germline.
Comment: Null variant in a gene where loss of function (LOF) is a known mechanism of disease.;Absent from controls (or at extremely low frequency if recessive) in Genome Aggregation Database.

NM_178170.3(NEK8):c.985del (p.Met329fs)

Gene: NEK8 (NIMA related kinase 8; plus strand). Cytogenetic location: 17q11.2.
Variant type: Deletion.
Coding change: c.985del on transcript NM_178170.3 (MANE Select); coding-DNA position 985, one base deleted (A; older notation c.985delA).
Protein change: p.Met329fs; shifts the reading frame from methionine 329.
Molecular consequence: frameshift variant.
Genome position (GRCh38, 1-based): chr17:28,737,914, A deleted; the last of 2 consecutive A bases (chr17:28,737,913-28,737,914); deleting either gives the same sequence. VCF-style (leftmost placement, unchanged base first): chr17-28737912-CA-C. GRCh37 (hg19) VCF-style: chr17-27064930-CA-C.
Other names: short protein forms M329fs.
Identifiers: ClinVar variation 5005723 (VCV005005723.2).
Genomic context (GRCh38, chr17:28,737,912, plus strand): 5'-CACCACCACTGTCGTCAGTGTATGCCTGGGGTGGTGGGCTGGGCACCCCCCTGCGGCTGC[CA>C]ATGCTCAACACAGAGGTGGTCCAGGTGGCAGCTGGGCGCACGCAGAAAGCCGGCGTCACG-3'